The following is an entry in ClinVar:

NM_024312.5(GNPTAB):c.1027G>T (p.Val343Phe)

Gene: GNPTAB (N-acetylglucosamine-1-phosphate transferase subunits alpha and beta; minus strand). Cytogenetic location: 12q23.2.
Variant type: single nucleotide variant.
Coding change: c.1027G>T on transcript NM_024312.5 (MANE Select); coding-DNA position 1027, G replaced by T.
Protein change: p.Val343Phe; replaces valine 343 with phenylalanine.
Molecular consequence: missense variant.
Genome position (GRCh38, 1-based): chr12:101,770,492, C>A on the plus strand (G>T on the coding strand, the complement: GNPTAB is on the minus strand). VCF-style: chr12-101770492-C-A. GRCh37 (hg19) VCF-style: chr12-102164270-C-A.
Other names: c.1027G>T (NM_024312.4); short protein forms V343F.
Identifiers: ClinVar variation 991287 (VCV000991287.5), dbSNP rs140518816, ClinGen allele CA6746729.
Genomic context (GRCh38, chr12:101,770,492, plus strand): 5'-GATTGTCAAGGTTCAGCCAGGATGGAATCTGCCCGTTGGTGACAATGAAAATATTCCGAA[C>A]CCATGGTGCATGCCTCTCGATAGATCGCAATGAGTACCTCAGTTCTTCGTTATCTTCAAA-3'
Protein context (NP_077288.2, residues 333-353): LRSIERHAPW[Val343Phe]RNIFIVTNGQ

ClinVar aggregate classification (germline): Uncertain significance. Review status: criteria provided, multiple submitters, no conflicts (2 of 4 stars). 3 submissions from 3 submitters: Uncertain significance (2). 1 of the submissions does not count toward it. Last evaluated 2026-01-20.

Conditions:
Mucolipidosis type II. Also called: Mucolipidosis 2; ML 2; Inclusion cell disease; Leroy Disease; N-acetylglucosamine 1phosphotransferase deficiency; ML disorder type 2. Identifiers: Orphanet 576, MedGen C2673377, MONDO:0009650, OMIM 252500.
Pseudo-Hurler polydystrophy. Also called: Mucolipidosis III Alpha/Beta; MUCOLIPIDOSIS IIIA; ML III; ML III ALPHA/BETA; Type III Mucolipidosis; ML IIIA. Identifiers: Orphanet 423461, Orphanet 577, MedGen C0033788, MONDO:0018931, OMIM 252600.

Allele frequency attached by ClinVar (database versions not stated): ESP Exome Variant Server 0.00008; TOPMed 0.00001.
gnomAD v4.1: 35 of 1,613,376 alleles (0.0022%); highest among the groups gnomAD compares: South Asian, 0.0033%; no homozygotes.

Submissions (3):

GeneDx
Classification: Uncertain significance. Last evaluated: 2026-01-20. Review status: criteria provided, single submitter. Criteria: GeneDx Variant Classification Process June 2021. Collection method: clinical testing. Allele origin: germline.
Comment: Not observed at significant frequency in large population cohorts (gnomAD); In silico analysis supports that this missense variant has a deleterious effect on protein structure/function; Has not been previously published as pathogenic or benign to our knowledge

Labcorp Genetics (formerly Invitae), Labcorp
Classification: Uncertain significance for Pseudo-Hurler polydystrophy; Mucolipidosis type II. Last evaluated: 2024-10-22. Review status: criteria provided, single submitter. Criteria: Invitae Variant Classification Sherloc (09022015). Collection method: clinical testing. Allele origin: germline.
Comment: This sequence change replaces valine, which is neutral and non-polar, with phenylalanine, which is neutral and non-polar, at codon 343 of the GNPTAB protein (p.Val343Phe). This variant is present in population databases (rs140518816, gnomAD 0.003%). This variant has not been reported in the literature in individuals affected with GNPTAB-related conditions. ClinVar contains an entry for this variant (Variation ID: 991287). Invitae Evidence Modeling of protein sequence and biophysical properties (such as structural, functional, and spatial information, amino acid conservation, physicochemical variation, residue mobility, and thermodynamic stability) indicates that this missense variant is expected to disrupt GNPTAB protein function with a positive predictive value of 80%. In summary, the available evidence is currently insufficient to determine the role of this variant in disease. Therefore, it has been classified as a Variant of Uncertain Significance.

Natera, Inc.
Classification: Uncertain significance for Mucolipidosis type II. Last evaluated: 2020-04-17. Review status: no assertion criteria provided. Collection method: clinical testing. Allele origin: germline. Not counted in ClinVar's aggregate classification.